The following is an entry in ClinVar:

NM_001379500.1(COL18A1):c.2277+16G>A

Gene: COL18A1 (collagen type XVIII alpha 1 chain; plus strand). Cytogenetic location: 21q22.3.
Variant type: single nucleotide variant.
Coding change: c.2277+16G>A on transcript NM_001379500.1 (MANE Select); 16 bases into the intron after coding-DNA position 2277, G replaced by A.
Molecular consequence: intron variant.
Genome position (GRCh38, 1-based): chr21:45,493,241, G>A. VCF-style: chr21-45493241-G-A. GRCh37 (hg19) VCF-style: chr21-46913155-G-A.
Other names: c.3522+16G>A (NM_130444.3); c.2817+16G>A (NM_030582.4).
Identifiers: ClinVar variation 1913146 (VCV001913146.2), dbSNP rs555214676, ClinGen allele CA10066966.

ClinVar aggregate classification (germline): Uncertain significance (1 of 4 stars; one submission).

Allele frequency attached by ClinVar (database versions not stated): TOPMed below 0.00001; gnomAD exomes 0.00001; gnomAD 0.00003; 1000 Genomes Project 30x 0.00016; 1000 Genomes Project 0.00020.
gnomAD v4.1: 21 of 1,553,040 alleles (0.0014%); highest among the groups gnomAD compares: South Asian, 0.018%; no homozygotes.

Submission:

Labcorp Genetics (formerly Invitae), Labcorp
Classification: Uncertain significance. Last evaluated: 2022-03-18. Review status: criteria provided, single submitter. Criteria: Invitae Variant Classification Sherloc (09022015). Collection method: clinical testing. Allele origin: germline.
Comment: This sequence change falls in intron 25 of the COL18A1 gene. It does not directly change the encoded amino acid sequence of the COL18A1 protein. This variant is present in population databases (rs555214676, gnomAD 0.01%). This variant has not been reported in the literature in individuals affected with COL18A1-related conditions. Algorithms developed to predict the effect of sequence changes on RNA splicing suggest that this variant may create or strengthen a splice site. In summary, the available evidence is currently insufficient to determine the role of this variant in disease. Therefore, it has been classified as a Variant of Uncertain Significance.